The following is an entry in ClinVar:

NM_004004.6(GJB2):c.426C>A (p.Phe142Leu)

Gene: GJB2 (gap junction protein beta 2; minus strand). Cytogenetic location: 13q12.11.
Variant type: single nucleotide variant.
Coding change: c.426C>A on transcript NM_004004.6 (MANE Select); coding-DNA position 426, C replaced by A.
Protein change: p.Phe142Leu; replaces phenylalanine 142 with leucine.
Molecular consequence: missense variant.
Genome position (GRCh38, 1-based): chr13:20,189,156, G>T on the plus strand (C>A on the coding strand, the complement: GJB2 is on the minus strand). VCF-style: chr13-20189156-G-T. GRCh37 (hg19) VCF-style: chr13-20763295-G-T.
Other names: short protein forms F142L.
Identifiers: ClinVar variation 44750 (VCV000044750.4), dbSNP rs397516877, ClinGen allele CA261647.

ClinVar aggregate classification (germline): Pathogenic (1 of 4 stars; one submission).

Conditions:
Rare genetic deafness. Identifiers: Orphanet 96210, MedGen C5680250.

Submission:

Laboratory for Molecular Medicine, Mass General Brigham Personalized Medicine
Classification: Pathogenic for Rare genetic deafness. Last evaluated: 2011-09-02. Review status: criteria provided, single submitter. Criteria: LMM Criteria. Collection method: clinical testing. Allele origin: germline. Inheritance: Autosomal dominant inheritance. Observed: 1 variant allele.
Comment: The Phe142Leu variant GJB2 has been reported as a dominant variant in one indivi dual with sensorineural hearing loss and mucocutaneous findings (Brown 2003). Th is variant was shown to have occurred de novo and was absent in 214 control chro mosomes. This data meets our criteria for pathogenicity.

Literature cited by the submitters: PubMed 14708631.